The following is an entry in ClinVar:

NM_016169.4(SUFU):c.209A>G (p.Tyr70Cys)

Gene: SUFU (SUFU negative regulator of hedgehog signaling; plus strand). Cytogenetic location: 10q24.32.
Variant type: single nucleotide variant.
Coding change: c.209A>G on transcript NM_016169.4 (MANE Select); coding-DNA position 209, A replaced by G.
Protein change: p.Tyr70Cys; replaces tyrosine 70 with cysteine.
Molecular consequence: missense variant.
Genome position (GRCh38, 1-based): chr10:102,509,195, A>G. VCF-style: chr10-102509195-A-G. GRCh37 (hg19) VCF-style: chr10-104268952-A-G.
Other names: c.209A>G, p.Tyr70Cys (NM_001178133.2); short protein forms Y70C.
Identifiers: ClinVar variation 2943612 (VCV002943612.4), dbSNP rs2135620112, ClinGen allele CA377888344.
Genomic context (GRCh38, chr10:102,509,195, plus strand): 5'-TTACACTAACACCCCTGTGTTTTGTTTTTTGCAGGTTGGGTGGCCCAGACCCCTTGGACT[A>G]TGTTAGCATGTACAGGAATGTGGGGAGCCCTTCTGCTAACATCCCCGAGCACTGGCACTA-3'
Protein context (NP_057253.2, residues 60-80): YWLGGPDPLD[Tyr70Cys]VSMYRNVGSP

ClinVar aggregate classification (germline): Uncertain significance. Review status: criteria provided, multiple submitters, no conflicts (2 of 4 stars). 2 submissions from 2 submitters: Uncertain significance (2). Last evaluated 2025-11-23.

Conditions:
Gorlin syndrome. Also called: Nevoid Basal Cell Carcinoma Syndrome; Basal cell nevus syndrome. Identifiers: Orphanet 377, MedGen C0004779, MONDO:0007187.
Medulloblastoma (MDB). Also called: MEDULLOBLASTOMA PREDISPOSITION SYNDROME; Medulloblastoma, somatic. Identifiers: Orphanet 616, MedGen C0025149, MeSH D008527, MONDO:0007959, OMIM 155255, HP:0002885.
Hereditary cancer-predisposing syndrome. Also called: Neoplastic Syndromes, Hereditary; Tumor predisposition; Hereditary Cancer Syndrome; Hereditary neoplastic syndrome. Identifiers: Orphanet 140162, MedGen C0027672, MeSH D009386, MONDO:0015356.

Submissions (2):

Labcorp Genetics (formerly Invitae), Labcorp
Classification: Uncertain significance for Gorlin syndrome; Medulloblastoma. Last evaluated: 2025-11-23. Review status: criteria provided, single submitter. Criteria: Invitae Variant Classification Sherloc (09022015). Collection method: clinical testing. Allele origin: germline.
Comment: This sequence change replaces tyrosine, which is neutral and polar, with cysteine, which is neutral and slightly polar, at codon 70 of the SUFU protein (p.Tyr70Cys). This variant is not present in population databases (gnomAD no frequency). This variant has not been reported in the literature in individuals affected with SUFU-related conditions. ClinVar contains an entry for this variant (Variation ID: 2943612). Invitae Evidence Modeling of protein sequence and biophysical properties (such as structural, functional, and spatial information, amino acid conservation, physicochemical variation, residue mobility, and thermodynamic stability) indicates that this missense variant is not expected to disrupt SUFU protein function with a negative predictive value of 80%. In summary, the available evidence is currently insufficient to determine the role of this variant in disease. Therefore, it has been classified as a Variant of Uncertain Significance.

Ambry Genetics
Classification: Uncertain significance for Hereditary cancer-predisposing syndrome. Last evaluated: 2025-04-20. Review status: criteria provided, single submitter. Criteria: Ambry Variant Classification Scheme 2023. Collection method: clinical testing. Allele origin: germline.
Comment: The p.Y70C variant (also known as c.209A>G), located in coding exon 2 of the SUFU gene, results from an A to G substitution at nucleotide position 209. The tyrosine at codon 70 is replaced by cysteine, an amino acid with highly dissimilar properties. This amino acid position is conserved. In addition, this alteration is predicted to be deleterious by in silico analysis. Based on the available evidence, the clinical significance of this variant remains unclear.